The following is an entry in ClinVar:

ClinVar aggregate classification (germline): Uncertain significance (1 of 4 stars; one submission).

Submission:

Greenwood Genetic Center Diagnostic Laboratories, Greenwood Genetic Center
Classification: Uncertain significance. Last evaluated: 2023-06-16. Review status: criteria provided, single submitter. Criteria: ACMG Guidelines, 2015. Collection method: clinical testing. Allele origin: germline. Affected: yes.
Comment: Gene of Uncertain Significance

NM_001105562.3(UBE4B):c.3292del (p.His1098fs)

Gene: UBE4B (ubiquitination factor E4B; plus strand). Cytogenetic location: 1p36.22.
Variant type: Deletion.
Coding change: c.3292del on transcript NM_001105562.3 (MANE Select); coding-DNA position 3292, one base deleted (C; older notation c.3292delC).
Protein change: p.His1098fs; shifts the reading frame from histidine 1098.
Molecular consequence: frameshift variant.
Genome position (GRCh38, 1-based): chr1:10,168,229, C deleted; the last of 2 consecutive C bases (chr1:10,168,228-10,168,229); deleting either gives the same sequence. VCF-style (leftmost placement, unchanged base first): chr1-10168227-TC-T. GRCh37 (hg19) VCF-style: chr1-10228285-TC-T.
Other names: c.3445del, p.His1149fs (NM_001410744.1); c.2905del, p.His969fs (NM_006048.5); short protein forms H1098fs, H1149fs, H969fs.
Identifiers: ClinVar variation 2572277 (VCV002572277.1), dbSNP rs2523119295, ClinGen allele CA2580612917.